The following is an entry in ClinVar:

NM_052989.3(IFT122):c.2256del (p.Lys753fs)

Gene: IFT122 (intraflagellar transport 122; plus strand). Cytogenetic location: 3q21.3.
Variant type: Deletion.
Coding change: c.2256del on transcript NM_052989.3 (MANE Select); coding-DNA position 2256, one base deleted (C; older notation c.2256delC).
Protein change: p.Lys753fs; shifts the reading frame from lysine 753.
Molecular consequence: frameshift variant.
Genome position (GRCh38, 1-based): chr3:129,499,949, C deleted; the last of 2 consecutive C bases (chr3:129,499,948-129,499,949); deleting either gives the same sequence. VCF-style (leftmost placement, unchanged base first): chr3-129499947-AC-A. GRCh37 (hg19) VCF-style: chr3-129218790-AC-A.
Other names: c.1923del, p.Lys642fs (NM_052990.3, NM_001410815.1); c.2232del, p.Lys745fs (NM_001280541.2); c.1806del, p.Lys603fs (NM_001280545.2); c.1629del, p.Lys544fs (NM_001280546.2); c.2256del, p.Lys753fs (NM_001410808.1); c.2202del, p.Lys735fs (NM_001410809.1); c.2079del, p.Lys694fs (NM_001410810.1, NM_018262.4); c.2025del, p.Lys676fs (NM_001410811.1, NM_001410813.1); and 4 more; short protein forms K544fs, K603fs, K624fs, K642fs, K676fs, K683fs, K694fs, K701fs.
Identifiers: ClinVar variation 5019380 (VCV005019380.2).

ClinVar aggregate classification (germline): Likely pathogenic (1 of 4 stars; one submission).

Conditions:
Cranioectodermal dysplasia 1 (CED1). Also called: LEVIN SYNDROME I. Identifiers: Orphanet 1515, MedGen C0432235, MONDO:0021093, OMIM 218330.

Submission:

Juno Genomics, Hangzhou Juno Genomics, Inc
Classification: Likely pathogenic for Cranioectodermal dysplasia 1. Review status: criteria provided, single submitter. Criteria: ACMG Guidelines, 2015. Collection method: clinical testing. Allele origin: germline.
Comment: Absent from controls (or at extremely low frequency if recessive) in Genome Aggregation Database.;Null variant in a gene where loss of function (LOF) is a known mechanism of disease.